The following is an entry in ClinVar:

NM_000152.5(GAA):c.363G>A (p.Gln121=)

Gene: GAA (alpha glucosidase; plus strand). Cytogenetic location: 17q25.3.
Variant type: single nucleotide variant.
Coding change: c.363G>A on transcript NM_000152.5 (MANE Select); coding-DNA position 363, G replaced by A.
Protein change: p.Gln121=; no amino-acid change (glutamine 121 retained).
Molecular consequence: synonymous variant.
Genome position (GRCh38, 1-based): chr17:80,104,949, G>A. VCF-style: chr17-80104949-G-A. GRCh37 (hg19) VCF-style: chr17-78078748-G-A.
Other names: c.363G>A, p.Gln121= (NM_001079803.3, NM_001079804.3, NM_001406741.1 and 1 more transcripts).
Identifiers: ClinVar variation 4876645 (VCV004876645.1).

ClinVar aggregate classification (germline): Uncertain significance (1 of 4 stars; one submission).

Conditions:
Glycogen storage disease, type II (IOPD). Also called: Pompe Disease; CARDIOMEGALIA GLYCOGENICA DIFFUSA; GLYCOGENOSIS, GENERALIZED, CARDIAC FORM; GSD II; POMPE DISEASE, INFANTILE-ONSET; GLYCOGEN STORAGE DISEASE II, INFANTILE-ONSET. Identifiers: Orphanet 365, MedGen C0017921, MONDO:0009290, OMIM 232300.

Submission:

Genomenon, Inc
Classification: Uncertain significance for Glycogen storage disease, type II. Last evaluated: 2026-07-01. Review status: criteria provided, single submitter. Criteria: Genomenon Sequence Variant Interpretation Standards - Updated. Collection method: curation. Allele origin: germline. Affected: no.
Comment: GAA c.363G>A is a synonymous variant that retains Glutamine at codon 121. This variant has been reported in the published literature (PMID:18425781). Splicing studies have been reported (PMID:31301153). It is absent or not present at a significant frequency in gnomAD. In conclusion, we classify GAA c.363G>A (p.Gln121=) as a variant of uncertain significance.

Literature cited by the submitters: PubMed 18425781; PubMed 31301153.